The following is an entry in ClinVar:

ClinVar aggregate classification (germline): Uncertain significance. Review status: criteria provided, multiple submitters, no conflicts (2 of 4 stars). 2 submissions from 2 submitters: Uncertain significance (2). Last evaluated 2025-01-09.

Allele frequency attached by ClinVar (database versions not stated): gnomAD 0.00001 and 0.00002; gnomAD exomes 0.00002 and 0.00004; TOPMed 0.00002; ExAC 0.00007; 1000 Genomes Project 30x 0.00016; 1000 Genomes Project 0.00020.
gnomAD v4.1: 33 of 1,613,140 alleles (0.002%); highest among the groups gnomAD compares: South Asian, 0.018%; no homozygotes.

Submissions (2):

Ambry Genetics
Classification: Uncertain significance. Last evaluated: 2025-01-09. Review status: criteria provided, single submitter. Criteria: Ambry Variant Classification Scheme 2023. Collection method: clinical testing. Allele origin: germline.

Labcorp Genetics (formerly Invitae), Labcorp
Classification: Uncertain significance. Last evaluated: 2022-08-09. Review status: criteria provided, single submitter. Criteria: Invitae Variant Classification Sherloc (09022015). Collection method: clinical testing. Allele origin: germline.
Comment: This sequence change replaces arginine, which is basic and polar, with cysteine, which is neutral and slightly polar, at codon 281 of the CCT2 protein (p.Arg281Cys). In summary, the available evidence is currently insufficient to determine the role of this variant in disease. Therefore, it has been classified as a Variant of Uncertain Significance. Algorithms developed to predict the effect of missense changes on protein structure and function are either unavailable or do not agree on the potential impact of this missense change (SIFT: "Deleterious"; PolyPhen-2: "Benign"; Align-GVGD: "Class C55"). ClinVar contains an entry for this variant (Variation ID: 1016667). This variant has not been reported in the literature in individuals affected with CCT2-related conditions. This variant is present in population databases (rs551629629, gnomAD 0.02%).

NM_006431.3(CCT2):c.841C>T (p.Arg281Cys)

Gene: CCT2 (chaperonin containing TCP1 subunit 2; plus strand). Cytogenetic location: 12q15.
Variant type: single nucleotide variant.
Coding change: c.841C>T on transcript NM_006431.3 (MANE Select); coding-DNA position 841, C replaced by T.
Protein change: p.Arg281Cys; replaces arginine 281 with cysteine.
Molecular consequence: missense variant.
Genome position (GRCh38, 1-based): chr12:69,593,066, C>T. VCF-style: chr12-69593066-C-T. GRCh37 (hg19) VCF-style: chr12-69986846-C-T.
Other names: c.700C>T, p.Arg234Cys (NM_001198842.2); c.841C>T (NM_006431.2); short protein forms R234C, R281C.
Identifiers: ClinVar variation 1016667 (VCV001016667.8), dbSNP rs551629629, ClinGen allele CA6680700.